The following is an entry in ClinVar:

ClinVar aggregate classification (germline): Likely pathogenic (1 of 4 stars; one submission).

Conditions:
Neuromuscular disease caused by qualitative or quantitative defects of dysferlin. Also called: Dysferlinopathy; Qualitative or quantitative defects of dysferlin. Identifiers: Orphanet 207073, MedGen C2931687, MONDO:0016145.

gnomAD v4.1: 2 of 1,614,116 alleles (0.00012%); highest among the groups gnomAD compares: South Asian, 0.0022%; no homozygotes.

Submission:

Labcorp Genetics (formerly Invitae), Labcorp
Classification: Likely pathogenic for Neuromuscular disease caused by qualitative or quantitative defects of dysferlin. Last evaluated: 2023-09-27. Review status: criteria provided, single submitter. Criteria: Invitae Variant Classification Sherloc (09022015). Collection method: clinical testing. Allele origin: germline.
Comment: In summary, the currently available evidence indicates that the variant is pathogenic, but additional data are needed to prove that conclusively. Therefore, this variant has been classified as Likely Pathogenic. This variant disrupts the p.Lys1032 amino acid residue in DYSF. Other variant(s) that disrupt this residue have been determined to be pathogenic (PMID: 25591676). This suggests that this residue is clinically significant, and that variants that disrupt this residue are likely to be disease-causing. Advanced modeling of protein sequence and biophysical properties (such as structural, functional, and spatial information, amino acid conservation, physicochemical variation, residue mobility, and thermodynamic stability) performed at Invitae indicates that this missense variant is expected to disrupt DYSF protein function. This variant has not been reported in the literature in individuals affected with DYSF-related conditions. This variant is not present in population databases (gnomAD no frequency). This sequence change replaces lysine, which is basic and polar, with asparagine, which is neutral and polar, at codon 1032 of the DYSF protein (p.Lys1032Asn).

Literature cited by the submitters: PubMed 25591676.

NM_001130987.2(DYSF):c.3150G>C (p.Lys1050Asn)

Gene: DYSF (dysferlin; plus strand). Cytogenetic location: 2p13.2.
Variant type: single nucleotide variant.
Coding change: c.3150G>C on transcript NM_001130987.2 (MANE Select); coding-DNA position 3150, G replaced by C.
Protein change: p.Lys1050Asn; replaces lysine 1050 with asparagine.
Molecular consequence: missense variant.
Genome position (GRCh38, 1-based): chr2:71,570,663, G>C. VCF-style: chr2-71570663-G-C. GRCh37 (hg19) VCF-style: chr2-71797793-G-C.
Other names: c.3099G>C, p.Lys1033Asn (NM_001130455.2, NM_001130983.2); c.3054G>C, p.Lys1018Asn (NM_001130976.2, NM_001130977.2); c.3096G>C, p.Lys1032Asn (NM_001130978.2, NM_003494.4); c.3189G>C, p.Lys1063Asn (NM_001130979.2); c.3147G>C, p.Lys1049Asn (NM_001130980.2, NM_001130981.2); c.3192G>C, p.Lys1064Asn (NM_001130982.2); c.3057G>C, p.Lys1019Asn (NM_001130984.2, NM_001130986.2); c.3150G>C, p.Lys1050Asn (NM_001130985.2); short protein forms K1019N, K1032N, K1064N, K1018N, K1033N, K1050N, K1063N, K1049N.
Identifiers: ClinVar variation 2900350 (VCV002900350.3), dbSNP rs529077809, ClinGen allele CA347217023.
Genomic context (GRCh38, chr2:71,570,663, plus strand): 5'-GGAGTATAGCATCACCATCCCCCCGGAGCGGAAGCCGAAGCACTGGGTCCCTGCTGAGAA[G>C]ATGTACTACACACACCGACGGCGGCGCTGGGTGCGCCTGCGCAGGAGGGATCTCAGCCAA-3'
Protein context (NP_001124459.1, residues 1040-1060): RKPKHWVPAE[Lys1050Asn]MYYTHRRRRW